The following is an entry in ClinVar:

ClinVar aggregate classification (germline): Uncertain significance. Review status: criteria provided, multiple submitters, no conflicts (2 of 4 stars). 2 submissions from 2 submitters: Uncertain significance (2). Last evaluated 2018-07-20.

Conditions:
Monogenic diabetes. Identifiers: Orphanet 183625, MedGen C3888631, MONDO:0015967.

Allele frequency attached by ClinVar (database versions not stated): ExAC 0.00010; gnomAD exomes 0.00010 and 0.00011; TOPMed 0.00011; gnomAD 0.00012 and 0.00013; 1000 Genomes Project 30x 0.00031; 1000 Genomes Project 0.00040.
gnomAD v4.1: 179 of 1,613,136 alleles (0.011%); highest among the groups gnomAD compares: Admixed American, 0.015%; no homozygotes.

Submissions (2):

Personalized Diabetes Medicine Program, University of Maryland School of Medicine
Classification: Uncertain significance for Monogenic diabetes. Last evaluated: 2018-07-20. Review status: criteria provided, single submitter. Criteria: ACMG Guidelines, 2015. Collection method: research. Allele origin: unknown. Observed: 1 variant allele, 1 heterozygote.
Comment: ACMG criteria: BP4 (REVEL score 0.079 + 5 predictors; not using PP3 (4 predictors))

Breakthrough Genomics
Classification: Uncertain significance. Review status: criteria provided, single submitter. Criteria: ACMG Guidelines, 2015. Collection method: not provided. Allele origin: germline. Inheritance: Autosomal recessive inheritance. Affected: yes.

NM_001042413.2(GLIS3):c.106G>A (p.Gly36Arg)

Gene: GLIS3 (GLIS family zinc finger 3; minus strand). Cytogenetic location: 9p24.2.
Variant type: single nucleotide variant.
Coding change: c.106G>A on transcript NM_001042413.2 (MANE Select); coding-DNA position 106, G replaced by A.
Protein change: p.Gly36Arg; replaces glycine 36 with arginine.
Molecular consequence: missense variant.
Genome position (GRCh38, 1-based): chr9:4,286,320, C>T on the plus strand (G>A on the coding strand, the complement: GLIS3 is on the minus strand). VCF-style: chr9-4286320-C-T. GRCh37 (hg19) VCF-style: chr9-4286320-C-T.
Other names: short protein forms G36R.
Identifiers: ClinVar variation 917456 (VCV000917456.3), dbSNP rs199788224, ClinGen allele CA4968701.